The following is an entry in ClinVar:

NM_001429.4(EP300):c.5918C>A (p.Thr1973Asn)

Gene: EP300 (EP300 lysine acetyltransferase; plus strand). Cytogenetic location: 22q13.2.
Variant type: single nucleotide variant.
Coding change: c.5918C>A on transcript NM_001429.4 (MANE Select); coding-DNA position 5918, C replaced by A.
Protein change: p.Thr1973Asn; replaces threonine 1973 with asparagine.
Molecular consequence: missense variant.
Genome position (GRCh38, 1-based): chr22:41,177,629, C>A. VCF-style: chr22-41177629-C-A. GRCh37 (hg19) VCF-style: chr22-41573633-C-A.
Other names: c.5840C>A, p.Thr1947Asn (NM_001362843.2); short protein forms T1947N, T1973N.
Identifiers: ClinVar variation 3349910 (VCV003349910.2).

ClinVar aggregate classification (germline): Uncertain significance (1 of 4 stars; one submission).

Conditions:
EP300-related disorder. Also called: EP300-related condition; EP300-related disorders.

gnomAD v4.1: 2 of 1,614,102 alleles (0.00012%); highest among the groups gnomAD compares: Non-Finnish European, 0.00017%; no homozygotes.

Submission:

PreventionGenetics, part of Exact Sciences
Classification: Uncertain significance for EP300-related condition. Last evaluated: 2024-11-04. Review status: criteria provided, single submitter. Criteria: ACMG Guidelines, 2015. Collection method: clinical testing. Allele origin: germline.
Comment: The EP300 c.5918C>A variant is predicted to result in the amino acid substitution p.Thr1973Asn. To our knowledge, this variant has not been reported in the literature or in a large population database, indicating this variant is rare. At this time, the clinical significance of this variant is uncertain due to the absence of conclusive functional and genetic evidence.